The following is an entry in ClinVar:

NM_001111.5(ADAR):c.3279T>A (p.Asp1093Glu)

Gene: ADAR (adenosine deaminase RNA specific; minus strand). Cytogenetic location: 1q21.3.
Variant type: single nucleotide variant.
Coding change: c.3279T>A on transcript NM_001111.5 (MANE Select); coding-DNA position 3279, T replaced by A.
Protein change: p.Asp1093Glu; replaces aspartic acid 1093 with glutamic acid.
Molecular consequence: missense variant.
Genome position (GRCh38, 1-based): chr1:154,585,789, A>T on the plus strand (T>A on the coding strand, the complement: ADAR is on the minus strand). VCF-style: chr1-154585789-A-T. GRCh37 (hg19) VCF-style: chr1-154558265-A-T.
Other names: c.2394T>A, p.Asp798Glu (NM_001025107.3, NM_001193495.2, NM_001365046.1 and 2 more transcripts); c.3306T>A, p.Asp1102Glu (NM_001365045.1); c.2316T>A, p.Asp772Glu (NM_001365049.1); c.3201T>A, p.Asp1067Glu (NM_015840.4); c.3144T>A, p.Asp1048Glu (NM_015841.4); short protein forms D1048E, D1067E, D1093E, D1102E, D772E, D798E.
Identifiers: ClinVar variation 3756174 (VCV003756174.2).

ClinVar aggregate classification (germline): Uncertain significance (1 of 4 stars; one submission).

Conditions:
Aicardi-Goutieres syndrome 6 (AGS6). Identifiers: Orphanet 51, MedGen C3539013, MONDO:0014007, OMIM 615010.
Symmetrical dyschromatosis of extremities (DSH). Also called: Dyschromatosis symmetrica hereditaria; RETICULATE ACROPIGMENTATION OF DOHI; SYMMETRIC DYSCHROMATOSIS OF THE EXTREMITIES; DYSCHROMATOSIS SYMMETRICA HEREDITARIA 1. Identifiers: Orphanet 41, MedGen C0406775, MONDO:0007483, OMIM 127400.

Submission:

Labcorp Genetics (formerly Invitae), Labcorp
Classification: Uncertain significance for Aicardi-Goutieres syndrome 6; Symmetrical dyschromatosis of extremities. Last evaluated: 2025-10-20. Review status: criteria provided, single submitter. Criteria: Invitae Variant Classification Sherloc (09022015). Collection method: clinical testing. Allele origin: germline.
Comment: This sequence change replaces aspartic acid, which is acidic and polar, with glutamic acid, which is acidic and polar, at codon 1093 of the ADAR protein (p.Asp1093Glu). This variant is not present in population databases (gnomAD no frequency). This variant has not been reported in the literature in individuals affected with ADAR-related conditions. ClinVar contains an entry for this variant (Variation ID: 3756174). Invitae Evidence Modeling of protein sequence and biophysical properties (such as structural, functional, and spatial information, amino acid conservation, physicochemical variation, residue mobility, and thermodynamic stability) indicates that this missense variant is not expected to disrupt ADAR protein function with a negative predictive value of 80%. In summary, the available evidence is currently insufficient to determine the role of this variant in disease. Therefore, it has been classified as a Variant of Uncertain Significance.